The following is an entry in ClinVar:

ClinVar aggregate classification (germline): Likely pathogenic (1 of 4 stars; one submission).

Submission:

Mayo Clinic Laboratories, Mayo Clinic
Classification: Likely pathogenic. Last evaluated: 2025-10-22. Review status: criteria provided, single submitter. Criteria: ACMG Guidelines, 2015. Collection method: clinical testing. Allele origin: germline. Observed: 1 variant allele.
Comment: PM1_strong, PM2_supporting, PM4

NM_000089.4(COL1A2):c.2326_2331del (p.Ser776_Arg777del)

Gene: COL1A2 (collagen type I alpha 2 chain; plus strand). Cytogenetic location: 7q21.3.
Variant type: Deletion.
Coding change: c.2326_2331del on transcript NM_000089.4 (MANE Select); coding-DNA positions 2326 to 2331, 6 bases deleted (AGTCGT; older notation c.2326_2331delAGTCGT).
Protein change: p.Ser776_Arg777del.
Molecular consequence: inframe deletion.
Genome position (GRCh38, 1-based): chr7:94,421,039-94,421,044, AGTCGT deleted. VCF-style (leftmost placement, unchanged base first): chr7-94421038-AAGTCGT-A. GRCh37 (hg19) VCF-style: chr7-94050350-AAGTCGT-A.
Other names: p.Ser776_Arg777del.
Identifiers: ClinVar variation 4541314 (VCV004541314.1).
Genomic context (GRCh38, chr7:94,421,038, plus strand): 5'-GATTTGACTCCATCTTTTTGTTTGCATTTAGGGTCCAAATGGTCCCCCCGGTCCTGCTGG[AAGTCGT>A]GGTGATGGAGGCCCCCCTGTGAGTATTTACAATGGACTCTCGCCGCTTTTCTTTTTTCAG-3'